The following is an entry in ClinVar:

NM_017659.4(QPCTL):c.909C>T (p.Asn303=)

Gene: QPCTL (glutaminyl-peptide cyclotransferase like; plus strand). Cytogenetic location: 19q13.32.
Variant type: single nucleotide variant.
Coding change: c.909C>T on transcript NM_017659.4 (MANE Select); coding-DNA position 909, C replaced by T.
Protein change: p.Asn303=; no amino-acid change (asparagine 303 retained).
Molecular consequence: synonymous variant.
Genome position (GRCh38, 1-based): chr19:45,701,820, C>T. VCF-style: chr19-45701820-C-T. GRCh37 (hg19) VCF-style: chr19-46205078-C-T.
Other names: c.627C>T, p.Asn209= (NM_001163377.2).
Identifiers: ClinVar variation 3905588 (VCV003905588.10).
Genomic context (GRCh38, chr19:45,701,820, plus strand): 5'-AGGACTAACCCTTCCTCTCTAATCGCCCCCACTTCCAGAGAAGCGTCTGCACCGTTTGAA[C>T]CTGCTGCAGTCTCATCCCCAGGAAGTGATGTACTTCCAACCCGGGGAGCCCTTTGGCTCT-3'
Protein context (NP_060129.2, residues 293-313): RSIEKRLHRL[Asn303=]LLQSHPQEVM

ClinVar aggregate classification (germline): Likely benign (1 of 4 stars; one submission).

gnomAD v4.1: 39 of 1,613,882 alleles (0.0024%); highest among the groups gnomAD compares: South Asian, 0.04%; 2 homozygotes.

Submission:

CeGaT Center for Human Genetics Tuebingen
Classification: Likely benign. Last evaluated: 2025-06-01. Review status: criteria provided, single submitter. Criteria: CeGaT Center For Human Genetics Tuebingen Variant Classification Criteria Version 2. Collection method: clinical testing. Allele origin: germline. Affected: yes. Observed: 1 variant allele.
Comment: QPCTL: BP4, BP7